The following is an entry in ClinVar:

ClinVar aggregate classification (germline): Pathogenic/Likely pathogenic. Review status: criteria provided, multiple submitters, no conflicts (2 of 4 stars). 4 submissions from 4 submitters: Pathogenic (2); Likely pathogenic (2). Last evaluated 2026-01-19.

Conditions:
VPS13A-related disorder. Also called: VPS13A-related condition.
VPS13A-related neurodegenerative disease. Also called: Choreoacanthocytosis; Chorea-acanthocytosis; Choreaacanthocytosis; LEVINE-CRITCHLEY SYNDROME; VPS13A Disease; ACANTHOCYTOSIS WITH NEUROLOGIC DISORDER. Identifiers: Orphanet 2388, MedGen C0393576, MONDO:0008695, OMIM 200150.

Allele frequency attached by ClinVar (database versions not stated): gnomAD 0.00005; TOPMed 0.00007.
gnomAD v4.1: 50 of 1,604,116 alleles (0.0031%); highest among the groups gnomAD compares: African/African-American, 0.004%; no homozygotes.

Submissions (4):

Labcorp Genetics (formerly Invitae), Labcorp
Classification: Pathogenic. Last evaluated: 2026-01-19. Review status: criteria provided, single submitter. Criteria: Invitae Variant Classification Sherloc (09022015). Collection method: clinical testing. Allele origin: germline.
Comment: This sequence change creates a premature translational stop signal (p.Arg2032*) in the VPS13A gene. It is expected to result in an absent or disrupted protein product. Loss-of-function variants in VPS13A are known to be pathogenic (PMID: 12404112, 21598378). This variant is present in population databases (rs764376151, gnomAD 0.007%). This premature translational stop signal has been observed in individual(s) with chorea-acanthocytosis (PMID: 12404112). ClinVar contains an entry for this variant (Variation ID: 645922). For these reasons, this variant has been classified as Pathogenic.

Natera, Inc.
Classification: Likely pathogenic for Choreaacanthocytosis. Last evaluated: 2025-10-13. Review status: criteria provided, single submitter. Criteria: Natera Variant Classification Schema (03/2026). Collection method: clinical testing. Allele origin: germline.
Comment: The c.6094C>T variant in VPS13A is a nonsense variant predicted to introduce a stop codon at amino acid 2032. This variant is expected to result in nonsense mediated decay, truncation, or a dysfunctional protein product. This variant is rare in the general population with a frequency below the threshold expected for the associated phenotype(s). Given the available evidence, this variant is classified as Likely Pathogenic.

Fulgent Genetics
Classification: Likely pathogenic for VPS13A-related neurodegenerative disease. Last evaluated: 2024-01-23. Review status: criteria provided, single submitter. Criteria: ACMG Guidelines, 2015. Collection method: clinical testing. Allele origin: germline.

PreventionGenetics, part of Exact Sciences
Classification: Pathogenic for VPS13A-related condition. Last evaluated: 2023-02-27. Review status: criteria provided, single submitter. Criteria: ACMG Guidelines, 2015. Collection method: clinical testing. Allele origin: germline.
Comment: The VPS13A c.6094C>T variant is predicted to result in premature protein termination (p.Arg2032*). This variant was reported in a patient with chorea-acanthocytosis (Dobson-Stone et al. 2002. PubMed ID: 12404112). This variant is reported in 0.0062% of alleles in individuals of African descent in gnomAD. Nonsense variants in VPS13A are expected to be pathogenic. This variant is interpreted as pathogenic.

Literature cited by the submitters: PubMed 12404112 (cited by Labcorp Genetics (formerly Invitae), Labcorp); PubMed 21598378 (cited by Labcorp Genetics (formerly Invitae), Labcorp).

NM_033305.3(VPS13A):c.6094C>T (p.Arg2032Ter)

Gene: VPS13A (vacuolar protein sorting 13 homolog A; plus strand). Cytogenetic location: 9q21.2.
Variant type: single nucleotide variant.
Coding change: c.6094C>T on transcript NM_033305.3 (MANE Select); coding-DNA position 6094, C replaced by T.
Protein change: p.Arg2032Ter; replaces arginine 2032 with a stop codon.
Molecular consequence: nonsense.
Genome position (GRCh38, 1-based): chr9:77,332,112, C>T. VCF-style: chr9-77332112-C-T. GRCh37 (hg19) VCF-style: chr9-79947028-C-T.
Other names: c.5977C>T, p.Arg1993Ter (NM_001018037.2); c.6094C>T, p.Arg2032Ter (NM_001018038.3, NM_015186.4); short protein forms R2032*, R1993*.
Identifiers: ClinVar variation 645922 (VCV000645922.10), dbSNP rs764376151, ClinGen allele CA5092937.